The following is an entry in ClinVar:

ClinVar aggregate classification (germline): Uncertain significance (1 of 4 stars; one submission).

Submission:

Labcorp Genetics (formerly Invitae), Labcorp
Classification: Uncertain significance. Last evaluated: 2024-03-12. Review status: criteria provided, single submitter. Criteria: Invitae Variant Classification Sherloc (09022015). Collection method: clinical testing. Allele origin: germline.
Comment: This sequence change replaces glycine, which is neutral and non-polar, with valine, which is neutral and non-polar, at codon 208 of the LZTS1 protein (p.Gly208Val). This variant is not present in population databases (gnomAD no frequency). This variant has not been reported in the literature in individuals affected with LZTS1-related conditions. Advanced modeling of protein sequence and biophysical properties (such as structural, functional, and spatial information, amino acid conservation, physicochemical variation, residue mobility, and thermodynamic stability) performed at Invitae indicates that this missense variant is not expected to disrupt LZTS1 protein function with a negative predictive value of 80%. In summary, the available evidence is currently insufficient to determine the role of this variant in disease. Therefore, it has been classified as a Variant of Uncertain Significance.

NM_021020.5(LZTS1):c.623G>T (p.Gly208Val)

Gene: LZTS1 (leucine zipper tumor suppressor 1; minus strand). Cytogenetic location: 8p21.3.
Variant type: single nucleotide variant.
Coding change: c.623G>T on transcript NM_021020.5 (MANE Select); coding-DNA position 623, G replaced by T.
Protein change: p.Gly208Val; replaces glycine 208 with valine.
Molecular consequence: missense variant.
Genome position (GRCh38, 1-based): chr8:20,253,308, C>A on the plus strand (G>T on the coding strand, the complement: LZTS1 is on the minus strand). VCF-style: chr8-20253308-C-A. GRCh37 (hg19) VCF-style: chr8-20110819-C-A.
Other names: c.623G>T, p.Gly208Val (NM_001362884.2); short protein forms G208V.
Identifiers: ClinVar variation 3645510 (VCV003645510.2).